The following is an entry in ClinVar:

ClinVar aggregate classification (germline): Uncertain significance. Review status: criteria provided, multiple submitters, no conflicts (2 of 4 stars). 2 submissions from 2 submitters: Uncertain significance (2). Last evaluated 2024-09-08.

Conditions:
Inborn genetic diseases. Identifiers: MedGen C0950123, MeSH D030342.
Joubert syndrome. Also called: CEREBELLOPARENCHYMAL DISORDER IV; JOUBERT-BOLTSHAUSER SYNDROME; Familial aplasia of the vermis. Identifiers: Orphanet 475, MedGen C5979921, MONDO:0018772.
Meckel-Gruber syndrome. Also called: DYSENCEPHALIA SPLANCHNOCYSTICA; GRUBER SYNDROME; Dysencephalia splachnocystica. Identifiers: Orphanet 564, MedGen C0265215, MONDO:0018921.

Submissions (2):

Ambry Genetics
Classification: Uncertain significance for Inborn genetic diseases. Last evaluated: 2024-09-08. Review status: criteria provided, single submitter. Criteria: Ambry Variant Classification Scheme 2023. Collection method: clinical testing. Allele origin: germline.

Labcorp Genetics (formerly Invitae), Labcorp
Classification: Uncertain significance for Joubert syndrome; Meckel-Gruber syndrome. Last evaluated: 2022-10-13. Review status: criteria provided, single submitter. Criteria: Invitae Variant Classification Sherloc (09022015). Collection method: clinical testing. Allele origin: germline.
Comment: This sequence change replaces lysine, which is basic and polar, with glutamine, which is neutral and polar, at codon 915 of the RPGRIP1L protein (p.Lys915Gln). This variant is not present in population databases (gnomAD no frequency). This variant has not been reported in the literature in individuals affected with RPGRIP1L-related conditions. ClinVar contains an entry for this variant (Variation ID: 1372492). Advanced modeling of protein sequence and biophysical properties (such as structural, functional, and spatial information, amino acid conservation, physicochemical variation, residue mobility, and thermodynamic stability) performed at Invitae indicates that this missense variant is not expected to disrupt RPGRIP1L protein function. In summary, the available evidence is currently insufficient to determine the role of this variant in disease. Therefore, it has been classified as a Variant of Uncertain Significance.

NM_015272.5(RPGRIP1L):c.2743A>C (p.Lys915Gln)

Gene: RPGRIP1L (RPGRIP1 like; minus strand). Cytogenetic location: 16q12.2.
Variant type: single nucleotide variant.
Coding change: c.2743A>C on transcript NM_015272.5 (MANE Select); coding-DNA position 2743, A replaced by C.
Protein change: p.Lys915Gln; replaces lysine 915 with glutamine.
Molecular consequence: missense variant.
Genome position (GRCh38, 1-based): chr16:53,641,416, T>G on the plus strand (A>C on the coding strand, the complement: RPGRIP1L is on the minus strand). VCF-style: chr16-53641416-T-G. GRCh37 (hg19) VCF-style: chr16-53675328-T-G.
Other names: c.2743A>C (NM_015272.2); c.2743A>C, p.Lys915Gln (NM_001127897.4, NM_001308334.3, NM_001330538.2); short protein forms K915Q.
Identifiers: ClinVar variation 1372492 (VCV001372492.6), dbSNP rs2151059707, ClinGen allele CA395927381.